The following is an entry in ClinVar:

NM_015041.3(CLUAP1):c.14_22+16del

Genes: CLUAP1 (clusterin associated protein 1; plus strand), LOC130058340 (ATAC-STARR-seq lymphoblastoid active region 10324; plus strand). Cytogenetic location: 16p13.3.
Variant type: Deletion.
Coding change: c.14_22+16del on transcript NM_015041.3 (MANE Select); coding-DNA position 14 through 16 bases into the intron after coding-DNA position 22, 25 bases deleted (ACCTCCGCAGTAAGGCAGCCCCGCG).
Molecular consequence: splice donor variant.
Genome position (GRCh38, 1-based): chr16:3,501,081-3,501,105, ACCTCCGCAGTAAGGCAGCCCCGCG deleted; deleting any 25 consecutive bases within chr16:3,501,076-3,501,105 gives the same sequence; the c. name uses the placement nearest the transcript's 3' end. VCF-style (leftmost placement, unchanged base first): chr16-3501075-TCCGCGACCTCCGCAGTAAGGCAGCC-T. GRCh37 (hg19) VCF-style: chr16-3551075-TCCGCGACCTCCGCAGTAAGGCAGCC-T.
Other names: c.14_22+16del (NM_001330454.2).
Identifiers: ClinVar variation 964069 (VCV000964069.8), dbSNP rs2037387066, ClinGen allele CA1139664442.

ClinVar aggregate classification (germline): Uncertain significance (1 of 4 stars; one submission).

Submission:

Labcorp Genetics (formerly Invitae), Labcorp
Classification: Uncertain significance. Last evaluated: 2019-08-26. Review status: criteria provided, single submitter. Criteria: Invitae Variant Classification Sherloc (09022015). Collection method: clinical testing. Allele origin: germline.
Comment: Algorithms developed to predict the effect of sequence changes on RNA splicing suggest that this variant may disrupt the consensus splice site, but this prediction has not been confirmed by published transcriptional studies. This variant results in the deletion of part of exon 1 (c.14_22+16del) of the CLUAP1 gene. It is expected to disrupt RNA splicing and likely results in an absent or disrupted protein product. This variant has not been reported in the literature in individuals with CLUAP1-related conditions. The current clinical and genetic evidence is not sufficient to establish whether loss-of-function variants in CLUAP1 cause disease. In summary, the available evidence is currently insufficient to determine the role of this variant in disease. Therefore, it has been classified as a Variant of Uncertain Significance.